The following is an entry in ClinVar:

ClinVar aggregate classification (germline): Uncertain significance (1 of 4 stars; one submission).

Conditions:
Hereditary cancer-predisposing syndrome. Also called: Neoplastic Syndromes, Hereditary; Tumor predisposition; Hereditary Cancer Syndrome; Hereditary neoplastic syndrome. Identifiers: Orphanet 140162, MedGen C0027672, MeSH D009386, MONDO:0015356.

Submission:

Ambry Genetics
Classification: Uncertain significance for Hereditary cancer-predisposing syndrome. Last evaluated: 2023-12-05. Review status: criteria provided, single submitter. Criteria: Ambry Variant Classification Scheme 2023. Collection method: clinical testing. Allele origin: germline.
Comment: The p.R800G variant (also known as c.2398A>G), located in coding exon 14 of the DICER1 gene, results from an A to G substitution at nucleotide position 2398. The arginine at codon 800 is replaced by glycine, an amino acid with dissimilar properties. This amino acid position is highly conserved in available vertebrate species. In addition, this alteration is predicted to be deleterious by in silico analysis. Since supporting evidence is limited at this time, the clinical significance of this alteration remains unclear.

NM_177438.3(DICER1):c.2398A>G (p.Arg800Gly)

Gene: DICER1 (dicer 1, ribonuclease III; minus strand). Cytogenetic location: 14q32.13.
Variant type: single nucleotide variant.
Coding change: c.2398A>G on transcript NM_177438.3 (MANE Select); coding-DNA position 2398, A replaced by G.
Protein change: p.Arg800Gly; replaces arginine 800 with glycine.
Molecular consequence: missense variant.
Genome position (GRCh38, 1-based): chr14:95,108,362, T>C on the plus strand (A>G on the coding strand, the complement: DICER1 is on the minus strand). VCF-style: chr14-95108362-T-C. GRCh37 (hg19) VCF-style: chr14-95574699-T-C.
Other names: c.2398A>G, p.Arg800Gly (NM_001195573.1, NM_001271282.3, NM_001291628.2 and 1 more transcripts); short protein forms R800G.
Identifiers: ClinVar variation 483452 (VCV000483452.5), dbSNP rs1555370905, ClinGen allele CA390882129.
Genomic context (GRCh38, chr14:95,108,362, plus strand): 5'-GTACTCATTATGAAATACCTACCTGAGGTATGGGTTTGGCCGTCAGTATTCCAAAGCATC[T>C]TGTGGTATCTTCAGGAGGATAGAGCTTCCGCCTTCTAAAGTTGAGTTCATCAGGTAAAGG-3'
Protein context (NP_803187.1, residues 790-810): RKLYPPEDTT[Arg800Gly]CFGILTAKPI